The following is an entry in ClinVar:

ClinVar aggregate classification (germline): Likely pathogenic (1 of 4 stars; one submission).

Conditions:
Facioscapulohumeral muscular dystrophy 2 (FSHD2). Also called: MUSCULAR DYSTROPHY, FACIOSCAPULOHUMERAL, TYPE 1B; FACIOSCAPULOHUMERAL MUSCULAR DYSTROPHY 2, DIGENIC; FSHD2, DIGENIC. Identifiers: Orphanet 269, MedGen C1834671, MONDO:0008031, OMIM 158901.

Submission:

Labcorp Genetics (formerly Invitae), Labcorp
Classification: Likely pathogenic for Facioscapulohumeral muscular dystrophy 2. Last evaluated: 2022-12-08. Review status: criteria provided, single submitter. Criteria: Invitae Variant Classification Sherloc (09022015). Collection method: clinical testing. Allele origin: germline.
Comment: In summary, the currently available evidence indicates that the variant is pathogenic, but additional data are needed to prove that conclusively. Therefore, this variant has been classified as Likely Pathogenic. Algorithms developed to predict the effect of sequence changes on RNA splicing suggest that this variant may disrupt the consensus splice site. This variant has not been reported in the literature in individuals affected with SMCHD1-related conditions. This variant is not present in population databases (gnomAD no frequency). This sequence change affects a donor splice site in intron 12 of the SMCHD1 gene. It is expected to disrupt RNA splicing. Variants that disrupt the donor or acceptor splice site typically lead to a loss of protein function (PMID: 16199547), and loss-of-function variants in SMCHD1 are known to be pathogenic (PMID: 23143600).

Literature cited by the submitters: PubMed 16199547; PubMed 23143600.

NM_015295.3(SMCHD1):c.1647+1G>T

Gene: SMCHD1 (structural maintenance of chromosomes flexible hinge domain containing 1; plus strand). Cytogenetic location: 18p11.32.
Variant type: single nucleotide variant.
Coding change: c.1647+1G>T on transcript NM_015295.3 (MANE Select); the canonical splice donor site of the intron after coding-DNA position 1647, G replaced by T.
Molecular consequence: splice donor variant.
Genome position (GRCh38, 1-based): chr18:2,700,919, G>T. VCF-style: chr18-2700919-G-T. GRCh37 (hg19) VCF-style: chr18-2700917-G-T.
Identifiers: ClinVar variation 2819362 (VCV002819362.3), dbSNP rs2510028167, ClinGen allele CA401700437.